The following is an entry in ClinVar:

NM_001374504.1(TMPRSS6):c.2366G>C (p.Arg789Pro)

Gene: TMPRSS6 (transmembrane serine protease 6; minus strand). Cytogenetic location: 22q12.3.
Variant type: single nucleotide variant.
Coding change: c.2366G>C on transcript NM_001374504.1 (MANE Select); coding-DNA position 2366, G replaced by C.
Protein change: p.Arg789Pro; replaces arginine 789 with proline.
Molecular consequence: missense variant.
Genome position (GRCh38, 1-based): chr22:37,066,123, C>G on the plus strand (G>C on the coding strand, the complement: TMPRSS6 is on the minus strand). VCF-style: chr22-37066123-C-G. GRCh37 (hg19) VCF-style: chr22-37462163-C-G.
Other names: c.2432G>C, p.Arg811Pro (NM_001289000.2); c.2366G>C, p.Arg789Pro (NM_001289001.2, NM_153609.4); short protein forms R789P, R811P.
Identifiers: ClinVar variation 3720220 (VCV003720220.2).

ClinVar aggregate classification (germline): Uncertain significance (1 of 4 stars; one submission).

Submission:

Labcorp Genetics (formerly Invitae), Labcorp
Classification: Uncertain significance. Last evaluated: 2024-10-28. Review status: criteria provided, single submitter. Criteria: Invitae Variant Classification Sherloc (09022015). Collection method: clinical testing. Allele origin: germline.
Comment: This sequence change replaces arginine, which is basic and polar, with proline, which is neutral and non-polar, at codon 798 of the TMPRSS6 protein (p.Arg798Pro). This variant is not present in population databases (gnomAD no frequency). This missense change has been observed in individual(s) with clinical features of TMPRSS6-related conditions (internal data). Invitae Evidence Modeling of protein sequence and biophysical properties (such as structural, functional, and spatial information, amino acid conservation, physicochemical variation, residue mobility, and thermodynamic stability) indicates that this missense variant is expected to disrupt TMPRSS6 protein function with a positive predictive value of 80%. In summary, the available evidence is currently insufficient to determine the role of this variant in disease. Therefore, it has been classified as a Variant of Uncertain Significance.